The following is an entry in ClinVar:

NM_001005271.3(CHD3):c.33G>A (p.Glu11=)

Genes: CHD3 (chromodomain helicase DNA binding protein 3; plus strand), NAA38 (N-alpha-acetyltransferase 38, NatC auxiliary subunit; minus strand). Cytogenetic location: 17p13.1.
Variant type: single nucleotide variant.
Coding change: c.33G>A on transcript NM_001005271.3; coding-DNA position 33, G replaced by A.
Protein change: p.Glu11=; no amino-acid change (glutamic acid 11 retained).
Molecular consequence: synonymous variant. On other transcripts: intron variant (1).
Genome position (GRCh38, 1-based): chr17:7,884,839, G>A. VCF-style: chr17-7884839-G-A. GRCh37 (hg19) VCF-style: chr17-7788157-G-A.
Other names: c.33G>A, p.Glu11= (NM_001437507.1, NM_001437508.1, NM_001437509.1 and 1 more transcripts); c.-167+326C>T (NM_001330111.2).
Identifiers: ClinVar variation 4681833 (VCV004681833.5).
Genomic context (GRCh38, chr17:7,884,839, plus strand): 5'-GGGGTGGTGGGGGGGCCAGAGCCACAGGATGGCTTCCCCTCTGAGGGACGAGGAGGAGGA[G>A]GAGGAGGAGATGGTGGTGTCGGAGGAGGAAGAAGAGGAGGAAGAAGAGGGCGACGAGGAG-3'

ClinVar aggregate classification (germline): Likely benign (1 of 4 stars; one submission).

Submission:

CeGaT Center for Human Genetics Tuebingen
Classification: Likely benign. Last evaluated: 2025-12-01. Review status: criteria provided, single submitter. Criteria: CeGaT Center For Human Genetics Tuebingen Variant Classification Criteria Version 2. Collection method: clinical testing. Allele origin: germline. Affected: yes. Observed: 1 variant allele.
Comment: CHD3: PM2:Supporting, BP4, BP7